The following is an entry in ClinVar:

ClinVar aggregate classification (germline): Likely pathogenic. Review status: criteria provided, multiple submitters, no conflicts (2 of 4 stars). 4 submissions from 4 submitters: Likely pathogenic (3). 1 of the submissions does not count toward it. Last evaluated 2024-07-12.

Conditions:
Neuronal ceroid lipofuscinosis 1 (CLN1). Also called: CEROID LIPOFUSCINOSIS, NEURONAL, 1, VARIABLE AGE AT ONSET; PPT1-Related Neuronal Ceroid-Lipofuscinosis. Identifiers: Orphanet 228329, MedGen C1850451, MONDO:0009744, OMIM 256730.

Allele frequency attached by ClinVar (database versions not stated): gnomAD exomes below 0.00001.
gnomAD v4.1: 1 of 1,613,710 alleles (0.000062%); highest among the groups gnomAD compares: Non-Finnish European, 0.000085%; no homozygotes.

Submissions (4):

Laboratorio de Genetica e Diagnostico Molecular, Hospital Israelita Albert Einstein
Classification: Likely pathogenic for Neuronal ceroid lipofuscinosis 1. Last evaluated: 2024-07-12. Review status: criteria provided, single submitter. Criteria: ACMG Guidelines, 2015. Collection method: clinical testing. Allele origin: germline. Affected: yes.
Comment: ACMG classification criteria: PVS1 very strong, PM2 supporting

Fulgent Genetics
Classification: Likely pathogenic for Neuronal ceroid lipofuscinosis 1. Last evaluated: 2024-06-10. Review status: criteria provided, single submitter. Criteria: ACMG Guidelines, 2015. Collection method: clinical testing. Allele origin: germline.

Labcorp Genetics (formerly Invitae), Labcorp
Classification: Likely pathogenic for Neuronal ceroid lipofuscinosis 1. Last evaluated: 2023-11-27. Review status: criteria provided, single submitter. Criteria: Invitae Variant Classification Sherloc (09022015). Collection method: clinical testing. Allele origin: germline.
Comment: This sequence change affects a donor splice site in intron 6 of the PPT1 gene. It is expected to disrupt RNA splicing. Variants that disrupt the donor or acceptor splice site typically lead to a loss of protein function (PMID: 16199547), and loss-of-function variants in PPT1 are known to be pathogenic (PMID: 10679943, 21990111). This variant is present in population databases (no rsID available, gnomAD 0.0009%). Disruption of this splice site has been observed in individual(s) with PPT1-related conditions (PMID: 23374165, 31440721). ClinVar contains an entry for this variant (Variation ID: 465415). Algorithms developed to predict the effect of sequence changes on RNA splicing suggest that this variant may disrupt the consensus splice site. In summary, the currently available evidence indicates that the variant is pathogenic, but additional data are needed to prove that conclusively. Therefore, this variant has been classified as Likely Pathogenic.

Counsyl
Classification: Likely pathogenic for Neuronal ceroid lipofuscinosis 1. Last evaluated: 2016-12-20. Review status: no assertion criteria provided. Collection method: clinical testing. Allele origin: unknown. Not counted in ClinVar's aggregate classification.

Literature cited by the submitters: PubMed 16199547 (cited by Labcorp Genetics (formerly Invitae), Labcorp); PubMed 10679943 (cited by Labcorp Genetics (formerly Invitae), Labcorp); PubMed 21990111 (cited by Labcorp Genetics (formerly Invitae), Labcorp); PubMed 23374165 (cited by Labcorp Genetics (formerly Invitae), Labcorp); PubMed 31440721 (cited by Labcorp Genetics (formerly Invitae), Labcorp).

NM_000310.4(PPT1):c.627+1G>T

Gene: PPT1 (palmitoyl-protein thioesterase 1; minus strand). Cytogenetic location: 1p34.2.
Variant type: single nucleotide variant.
Coding change: c.627+1G>T on transcript NM_000310.4 (MANE Select); the canonical splice donor site of the intron after coding-DNA position 627, G replaced by T.
Molecular consequence: splice donor variant.
Genome position (GRCh38, 1-based): chr1:40,080,396, C>A on the plus strand (G>T on the coding strand, the complement: PPT1 is on the minus strand). VCF-style: chr1-40080396-C-A. GRCh37 (hg19) VCF-style: chr1-40546068-C-A.
Other names: c.318+1G>T (NM_001142604.2); c.627+1G>T (NM_001363695.2).
Identifiers: ClinVar variation 465415 (VCV000465415.12), dbSNP rs1265044710, ClinGen allele CA339847537.